The following is an entry in ClinVar:

ClinVar aggregate classification (germline): Pathogenic (1 of 4 stars; one submission).

Conditions:
Inborn genetic diseases. Identifiers: MedGen C0950123, MeSH D030342.

Submission:

Ambry Genetics
Classification: Pathogenic for Inborn genetic diseases. Last evaluated: 2025-07-07. Review status: criteria provided, single submitter. Criteria: Ambry Variant Classification Scheme 2023. Collection method: clinical testing. Allele origin: germline.
Comment: The c.461C>A (p.S154*) alteration, located in exon 1 (coding exon 1) of the HOXD13 gene, consists of a C to A substitution at nucleotide position 461. This changes the amino acid from a serine (S) to a stop codon at amino acid position 154. This alteration is expected to result in loss of function by premature protein truncation or nonsense-mediated mRNA decay. This variant was not reported in population-based cohorts in the Genome Aggregation Database (gnomAD). Based on the available evidence, this alteration is classified as pathogenic.

NM_000523.4(HOXD13):c.461C>A (p.Ser154Ter)

Gene: HOXD13 (homeobox D13; plus strand). Cytogenetic location: 2q31.1.
Variant type: single nucleotide variant.
Coding change: c.461C>A on transcript NM_000523.4 (MANE Select); coding-DNA position 461, C replaced by A.
Protein change: p.Ser154Ter; replaces serine 154 with a stop codon.
Molecular consequence: nonsense.
Genome position (GRCh38, 1-based): chr2:176,093,351, C>A. VCF-style: chr2-176093351-C-A. GRCh37 (hg19) VCF-style: chr2-176958079-C-A.
Other names: short protein forms S154*.
Identifiers: ClinVar variation 4271933 (VCV004271933.1).